The following is an entry in ClinVar:

ClinVar aggregate classification (germline): Conflicting classifications of pathogenicity. Review status: criteria provided, conflicting classifications (1 of 4 stars). 3 submissions from 3 submitters: Likely pathogenic (2); Uncertain significance (1). Last evaluated 2024-12-31.

Conditions:
Juvenile retinoschisis (RS1). Also called: X-linked retinoschisis; X-Linked Juvenile Retinoschisis. Identifiers: Orphanet 792, MedGen C3714753, MONDO:0010725, OMIM 312700.
RS1-related disorder. Also called: RS1-related condition.

Allele frequency attached by ClinVar (database versions not stated): gnomAD exomes below 0.00001; ExAC 0.00001; TOPMed 0.00002.
gnomAD v4.1: 1 of 1,211,427 alleles (0.000083%); highest among the groups gnomAD compares: Admixed American, 0.0022%; no homozygotes.

Submissions (3):

Labcorp Genetics (formerly Invitae), Labcorp
Classification: Likely pathogenic. Last evaluated: 2024-12-31. Review status: criteria provided, single submitter. Criteria: Invitae Variant Classification Sherloc (09022015). Collection method: clinical testing. Allele origin: germline.
Comment: This sequence change replaces glutamine, which is neutral and polar, with glutamic acid, which is acidic and polar, at codon 154 of the RS1 protein (p.Gln154Glu). This variant is not present in population databases (gnomAD no frequency). This variant has not been reported in the literature in individuals affected with RS1-related conditions. ClinVar contains an entry for this variant (Variation ID: 1511070). Invitae Evidence Modeling of protein sequence and biophysical properties (such as structural, functional, and spatial information, amino acid conservation, physicochemical variation, residue mobility, and thermodynamic stability) has been performed for this missense variant. However, the output from this modeling did not meet the statistical confidence thresholds required to predict the impact of this variant on RS1 protein function. This variant disrupts the p.Gln154 amino acid residue in RS1. Other variant(s) that disrupt this residue have been determined to be pathogenic (PMID: 19324861, 21836411, 32124668). This suggests that this residue is clinically significant, and that variants that disrupt this residue are likely to be disease-causing. In summary, the currently available evidence indicates that the variant is pathogenic, but additional data are needed to prove that conclusively. Therefore, this variant has been classified as Likely Pathogenic.

Baylor Genetics
Classification: Uncertain significance for Juvenile retinoschisis, X-linked. Last evaluated: 2023-11-21. Review status: criteria provided, single submitter. Criteria: ACMG Guidelines, 2015. Collection method: clinical testing. Allele origin: unknown.

Blueprint Genetics
Classification: Likely pathogenic for RS1-related disorders. Last evaluated: 2019-03-15. Review status: criteria provided, single submitter. Criteria: ACMG Guidelines, 2015. Collection method: clinical testing. Allele origin: germline. Affected: yes. Observed: 2 variant alleles.

Literature cited by the submitters: PubMed 19324861 (cited by Labcorp Genetics (formerly Invitae), Labcorp); PubMed 21836411 (cited by Labcorp Genetics (formerly Invitae), Labcorp); PubMed 32124668 (cited by Labcorp Genetics (formerly Invitae), Labcorp).

NM_000330.4(RS1):c.460C>G (p.Gln154Glu)

Genes: CDKL5 (cyclin dependent kinase like 5; plus strand), RS1 (retinoschisin 1; minus strand). Cytogenetic location: Xp22.13.
Variant type: single nucleotide variant.
Coding change: c.460C>G on transcript NM_000330.4 (MANE Select); coding-DNA position 460, C replaced by G.
Protein change: p.Gln154Glu; replaces glutamine 154 with glutamic acid.
Molecular consequence: missense variant. On other transcripts: intron variant (2).
Genome position (GRCh38, 1-based): chrX:18,644,492, G>C on the plus strand (C>G on the coding strand, the complement: RS1 is on the minus strand). VCF-style: chrX-18644492-G-C. GRCh37 (hg19) VCF-style: chrX-18662612-G-C.
Other names: c.2714-1515G>C (NM_003159.3, NM_001037343.2); short protein forms Q154E.
Identifiers: ClinVar variation 1511070 (VCV001511070.8), dbSNP rs61753164, ClinGen allele CA10360637.